The following is an entry in ClinVar:

ClinVar aggregate classification (germline): Pathogenic (1 of 4 stars; one submission).

Conditions:
Tuberous sclerosis 2 (TSC2). Identifiers: Orphanet 805, MedGen C1860707, MONDO:0013199, OMIM 613254.

Submission:

Labcorp Genetics (formerly Invitae), Labcorp
Classification: Pathogenic for Tuberous sclerosis 2. Last evaluated: 2023-11-02. Review status: criteria provided, single submitter. Criteria: Invitae Variant Classification Sherloc (09022015). Collection method: clinical testing. Allele origin: germline.
Comment: This sequence change affects an acceptor splice site in intron 15 of the TSC2 gene. It is expected to disrupt RNA splicing. Variants that disrupt the donor or acceptor splice site typically lead to a loss of protein function (PMID: 16199547), and loss-of-function variants in TSC2 are known to be pathogenic (PMID: 10205261, 17304050). This variant is not present in population databases (gnomAD no frequency). Disruption of this splice site has been observed in individuals with tuberous sclerosis complex (PMID: 31927531; Invitae). ClinVar contains an entry for this variant (Variation ID: 2130573). Algorithms developed to predict the effect of sequence changes on RNA splicing suggest that this variant may disrupt the consensus splice site. For these reasons, this variant has been classified as Pathogenic.

Literature cited by the submitters: PubMed 16199547; PubMed 10205261; PubMed 17304050; PubMed 31927531.

NM_000548.5(TSC2):c.1600-1G>C

Gene: TSC2 (TSC complex subunit 2; plus strand). Cytogenetic location: 16p13.3.
Variant type: single nucleotide variant.
Coding change: c.1600-1G>C on transcript NM_000548.5 (MANE Select); the canonical splice acceptor site of the intron before coding-DNA position 1600, G replaced by C.
Molecular consequence: splice acceptor variant.
Genome position (GRCh38, 1-based): chr16:2,065,518, G>C. VCF-style: chr16-2065518-G-C. GRCh37 (hg19) VCF-style: chr16-2115519-G-C.
Other names: c.256-1G>C (NM_001406693.1, NM_001406689.1, NM_001406690.1 and 6 more transcripts); c.1690-1G>C (NM_001406667.1, NM_001406668.1); c.1000-1G>C (NM_001406680.1, NM_001406683.1, NM_001406687.1 and 6 more transcripts); c.-3-1G>C (NM_001406698.1); c.1600-1G>C (NM_001114382.3, NM_001406663.1, NM_001406664.1 and 6 more transcripts); c.1588-1G>C (NM_001406671.1, NM_001406673.1); c.1138-1G>C (NM_001406681.1); c.1489-1G>C (NM_001406670.1, NM_001318827.2, NM_001406678.1); and 3 more.
Identifiers: ClinVar variation 2130573 (VCV002130573.4), dbSNP rs45517184, ClinGen allele CA394267519.
Genomic context (GRCh38, chr16:2,065,518, plus strand): 5'-TCTCACGGCTGCTGACTCAGAACCATGAGCCTGTGTGTAAGTCCTGGCCTTCTCTTCAAA[G>C]GTGATGGCCCGCTCCCTCTCCCCACCCCCGGAGCTGGAAGAAAGGGATGTGGCCGCATAC-3'